The following is an entry in ClinVar:

NM_001379659.1(ZNF142):c.2377C>T (p.Arg793Cys)

Gene: ZNF142 (zinc finger protein 142; minus strand). Cytogenetic location: 2q35.
Variant type: single nucleotide variant.
Coding change: c.2377C>T on transcript NM_001379659.1 (MANE Select); coding-DNA position 2377, C replaced by T.
Protein change: p.Arg793Cys; replaces arginine 793 with cysteine.
Molecular consequence: missense variant.
Genome position (GRCh38, 1-based): chr2:218,644,739, G>A on the plus strand (C>T on the coding strand, the complement: ZNF142 is on the minus strand). VCF-style: chr2-218644739-G-A. GRCh37 (hg19) VCF-style: chr2-219509462-G-A.
Other names: c.1777C>T, p.Arg593Cys (NM_001105537.5, NM_001379662.1, NM_001366291.3); c.2377C>T, p.Arg793Cys (NM_001379660.1, NM_001379661.1, NM_001366290.3); c.1288C>T, p.Arg430Cys (NM_001366287.3, NM_001366288.3, NM_001366289.3); short protein forms R430C, R593C, R793C.
Identifiers: ClinVar variation 3603110 (VCV003603110.2).

ClinVar aggregate classification (germline): Uncertain significance (1 of 4 stars; one submission).

gnomAD v4.1: 91 of 1,614,110 alleles (0.0056%); highest among the groups gnomAD compares: African/African-American, 0.0067%; no homozygotes.

Submission:

GeneDx
Classification: Uncertain significance. Last evaluated: 2026-09-15. Review status: criteria provided, single submitter. Criteria: GeneDx Variant Classification Process June 2021. Collection method: clinical testing. Allele origin: germline.
Comment: In silico analysis supports that this missense variant has a deleterious effect on protein structure/function; Has not been previously published as pathogenic or benign to our knowledge